The following is an entry in ClinVar:

ClinVar aggregate classification (germline): Likely benign (0 of 4 stars; one submission).

Conditions:
NLRP7-related disorder. Also called: NLRP7-related condition.

Allele frequency attached by ClinVar (database versions not stated): gnomAD 0.00001; gnomAD exomes 0.00002; ExAC 0.00005; TOPMed 0.00006.
gnomAD v4.1: 36 of 1,614,020 alleles (0.0022%); highest among the groups gnomAD compares: East Asian, 0.062%; no homozygotes.

Submission:

PreventionGenetics, part of Exact Sciences
Classification: Likely benign for NLRP7-related condition. Last evaluated: 2019-12-16. Review status: no assertion criteria provided. Collection method: clinical testing. Allele origin: germline.
Comment: This variant is classified as likely benign based on ACMG/AMP sequence variant interpretation guidelines (Richards et al. 2015 PMID: 25741868, with internal and published modifications).

NM_001127255.2(NLRP7):c.2364C>T (p.Asn788=)

Genes: NCR1 (natural cytotoxicity triggering receptor 1), NLRP7 (NLR family pyrin domain containing 7; minus strand). Cytogenetic location: 19q13.42.
Variant type: single nucleotide variant.
Coding change: c.2364C>T on transcript NM_001127255.2 (MANE Select); coding-DNA position 2364, C replaced by T.
Protein change: p.Asn788=; no amino-acid change (asparagine 788 retained).
Molecular consequence: synonymous variant.
Genome position (GRCh38, 1-based): chr19:54,934,596, G>A on the plus strand (C>T on the coding strand, the complement: NLRP7 is on the minus strand). VCF-style: chr19-54934596-G-A. GRCh37 (hg19) VCF-style: chr19-55445964-G-A.
Other names: c.2364C>T, p.Asn788= (NM_001405531.1, NM_206828.4); c.2280C>T, p.Asn760= (NM_139176.4).
Identifiers: ClinVar variation 3048430 (VCV003048430.2), dbSNP rs772242457, ClinGen allele CA310011325.